The following is an entry in ClinVar:

ClinVar aggregate classification (germline): Uncertain significance (1 of 4 stars; one submission).

Conditions:
Imerslund-Grasbeck syndrome. Also called: Megaloblastic anemia due to inborn errors of metabolism; ENTEROCYTE COBALAMIN MALABSORPTION; ENTEROCYTE INTRINSIC FACTOR RECEPTOR, DEFECT OF; Imerslund-Gräsbeck syndrome; PERNICIOUS ANEMIA, JUVENILE, DUE TO SELECTIVE INTESTINAL MALABSORPTION OF VITAMIN B12, WITH PROTEINURIA. Identifiers: Orphanet 35858, MedGen C4551825, MONDO:0009853.

gnomAD v4.1: 3 of 1,613,920 alleles (0.00019%); highest among the groups gnomAD compares: East Asian, 0.0045%; no homozygotes.

Submission:

Labcorp Genetics (formerly Invitae), Labcorp
Classification: Uncertain significance for Imerslund-Grasbeck syndrome. Last evaluated: 2024-05-07. Review status: criteria provided, single submitter. Criteria: Invitae Variant Classification Sherloc (09022015). Collection method: clinical testing. Allele origin: germline.
Comment: This sequence change replaces serine, which is neutral and polar, with phenylalanine, which is neutral and non-polar, at codon 1947 of the CUBN protein (p.Ser1947Phe). This variant is present in population databases (rs147617753, gnomAD 0.06%). This variant has not been reported in the literature in individuals affected with CUBN-related conditions. Advanced modeling of protein sequence and biophysical properties (such as structural, functional, and spatial information, amino acid conservation, physicochemical variation, residue mobility, and thermodynamic stability) performed at Invitae indicates that this missense variant is expected to disrupt CUBN protein function with a positive predictive value of 80%. In summary, the available evidence is currently insufficient to determine the role of this variant in disease. Therefore, it has been classified as a Variant of Uncertain Significance.

NM_001081.4(CUBN):c.5840C>T (p.Ser1947Phe)

Gene: CUBN (cubilin; minus strand). Cytogenetic location: 10p13.
Variant type: single nucleotide variant.
Coding change: c.5840C>T on transcript NM_001081.4 (MANE Select); coding-DNA position 5840, C replaced by T.
Protein change: p.Ser1947Phe; replaces serine 1947 with phenylalanine.
Molecular consequence: missense variant.
Genome position (GRCh38, 1-based): chr10:16,937,678, G>A on the plus strand (C>T on the coding strand, the complement: CUBN is on the minus strand). VCF-style: chr10-16937678-G-A. GRCh37 (hg19) VCF-style: chr10-16979677-G-A.
Other names: short protein forms S1947F.
Identifiers: ClinVar variation 3706566 (VCV003706566.2).